The following is an entry in ClinVar:

ClinVar aggregate classification (germline): Uncertain significance. Review status: criteria provided, multiple submitters, no conflicts (2 of 4 stars). 2 submissions from 2 submitters: Uncertain significance (2). Last evaluated 2025-05-03.

Conditions:
Deficiency of alpha-mannosidase (MANSA). Also called: Mannosidosis, alpha-, types I and II; Alpha-Mannosidosis; LYSOSOMAL ALPHA-D-MANNOSIDASE DEFICIENCY. Identifiers: Orphanet 61, MedGen C0024748, MONDO:0009561, OMIM 248500.
Inborn genetic diseases. Identifiers: MedGen C0950123, MeSH D030342.

Allele frequency attached by ClinVar (database versions not stated): TOPMed below 0.00001; gnomAD 0.00001; gnomAD exomes 0.00001.
gnomAD v4.1: 10 of 1,613,912 alleles (0.00062%); highest among the groups gnomAD compares: South Asian, 0.0011%; no homozygotes.

Submissions (2):

Ambry Genetics
Classification: Uncertain significance for Inborn genetic diseases. Last evaluated: 2025-05-03. Review status: criteria provided, single submitter. Criteria: Ambry Variant Classification Scheme 2023. Collection method: clinical testing. Allele origin: germline.

Labcorp Genetics (formerly Invitae), Labcorp
Classification: Uncertain significance for Deficiency of alpha-mannosidase. Last evaluated: 2022-03-14. Review status: criteria provided, single submitter. Criteria: Invitae Variant Classification Sherloc (09022015). Collection method: clinical testing. Allele origin: germline.
Comment: This sequence change replaces arginine, which is basic and polar, with cysteine, which is neutral and slightly polar, at codon 283 of the MAN2B1 protein (p.Arg283Cys). This variant is present in population databases (no rsID available, gnomAD 0.002%). This variant has not been reported in the literature in individuals affected with MAN2B1-related conditions. Algorithms developed to predict the effect of missense changes on protein structure and function are either unavailable or do not agree on the potential impact of this missense change (SIFT: "Tolerated"; PolyPhen-2: "Possibly Damaging"; Align-GVGD: "Class C15"). In summary, the available evidence is currently insufficient to determine the role of this variant in disease. Therefore, it has been classified as a Variant of Uncertain Significance.

NM_000528.4(MAN2B1):c.847C>T (p.Arg283Cys)

Gene: MAN2B1 (mannosidase alpha class 2B member 1; minus strand). Cytogenetic location: 19p13.13.
Variant type: single nucleotide variant.
Coding change: c.847C>T on transcript NM_000528.4 (MANE Select); coding-DNA position 847, C replaced by T.
Protein change: p.Arg283Cys; replaces arginine 283 with cysteine.
Molecular consequence: missense variant.
Genome position (GRCh38, 1-based): chr19:12,663,379, G>A on the plus strand (C>T on the coding strand, the complement: MAN2B1 is on the minus strand). VCF-style: chr19-12663379-G-A. GRCh37 (hg19) VCF-style: chr19-12774193-G-A.
Other names: c.847C>T, p.Arg283Cys (NM_001173498.2); c.847C>T (NM_000528.3); short protein forms R283C.
Identifiers: ClinVar variation 2083991 (VCV002083991.2), dbSNP rs978130289, ClinGen allele CA305477633.